The following is an entry in ClinVar:

NM_207122.2(EXT2):c.1298C>G (p.Pro433Arg)

Gene: EXT2 (exostosin glycosyltransferase 2; plus strand). Cytogenetic location: 11p11.2.
Variant type: single nucleotide variant.
Coding change: c.1298C>G on transcript NM_207122.2 (MANE Select); coding-DNA position 1298, C replaced by G.
Protein change: p.Pro433Arg; replaces proline 433 with arginine.
Molecular consequence: missense variant.
Genome position (GRCh38, 1-based): chr11:44,171,735, C>G. VCF-style: chr11-44171735-C-G. GRCh37 (hg19) VCF-style: chr11-44193285-C-G.
Other names: c.1397C>G, p.Pro466Arg (NM_000401.3); c.1328C>G, p.Pro443Arg (NM_001178083.3); c.1298C>G, p.Pro433Arg (NM_001389628.1, NM_001389630.1); short protein forms P433R, P443R, P466R.
Identifiers: ClinVar variation 3690062 (VCV003690062.2).

ClinVar aggregate classification (germline): Uncertain significance (1 of 4 stars; one submission).

Conditions:
Exostoses, multiple, type 2 (EXT2). Also called: Hereditary Multiple Osteochondromatosis, Type II; EXOSTOSES, MULTIPLE, TYPE II. Identifiers: Orphanet 321, MedGen C1851413, MONDO:0007586, OMIM 133701.

Submission:

Labcorp Genetics (formerly Invitae), Labcorp
Classification: Uncertain significance for Exostoses, multiple, type 2. Last evaluated: 2024-05-17. Review status: criteria provided, single submitter. Criteria: Invitae Variant Classification Sherloc (09022015). Collection method: clinical testing. Allele origin: germline.
Comment: This sequence change replaces proline, which is neutral and non-polar, with arginine, which is basic and polar, at codon 433 of the EXT2 protein (p.Pro433Arg). This variant is not present in population databases (gnomAD no frequency). This variant has not been reported in the literature in individuals affected with EXT2-related conditions. Advanced modeling of protein sequence and biophysical properties (such as structural, functional, and spatial information, amino acid conservation, physicochemical variation, residue mobility, and thermodynamic stability) performed at Invitae indicates that this missense variant is not expected to disrupt EXT2 protein function with a negative predictive value of 80%. In summary, the available evidence is currently insufficient to determine the role of this variant in disease. Therefore, it has been classified as a Variant of Uncertain Significance.